The following is an entry in ClinVar:

ClinVar aggregate classification (germline): Uncertain significance (1 of 4 stars; one submission).

Allele frequency attached by ClinVar (database versions not stated): gnomAD 0.00003; gnomAD exomes 0.00006; ExAC 0.00010.
gnomAD v4.1: 86 of 1,613,872 alleles (0.0053%); highest among the groups gnomAD compares: South Asian, 0.081%; no homozygotes.

Submission:

Labcorp Genetics (formerly Invitae), Labcorp
Classification: Uncertain significance. Last evaluated: 2022-08-21. Review status: criteria provided, single submitter. Criteria: Invitae Variant Classification Sherloc (09022015). Collection method: clinical testing. Allele origin: germline.
Comment: In summary, the available evidence is currently insufficient to determine the role of this variant in disease. Therefore, it has been classified as a Variant of Uncertain Significance. Algorithms developed to predict the effect of missense changes on protein structure and function are either unavailable or do not agree on the potential impact of this missense change (SIFT: "Deleterious"; PolyPhen-2: "Benign"; Align-GVGD: "Class C0"). This variant has not been reported in the literature in individuals affected with VPS13C-related conditions. This variant is present in population databases (rs745608214, gnomAD 0.07%). This sequence change replaces serine, which is neutral and polar, with leucine, which is neutral and non-polar, at codon 2012 of the VPS13C protein (p.Ser2012Leu).

NM_020821.3(VPS13C):c.6035C>T (p.Ser2012Leu)

Gene: VPS13C (vacuolar protein sorting 13 homolog C; minus strand). Cytogenetic location: 15q22.2.
Variant type: single nucleotide variant.
Coding change: c.6035C>T on transcript NM_020821.3 (MANE Select); coding-DNA position 6035, C replaced by T.
Protein change: p.Ser2012Leu; replaces serine 2012 with leucine.
Molecular consequence: missense variant.
Genome position (GRCh38, 1-based): chr15:61,931,093, G>A on the plus strand (C>T on the coding strand, the complement: VPS13C is on the minus strand). VCF-style: chr15-61931093-G-A. GRCh37 (hg19) VCF-style: chr15-62223292-G-A.
Other names: c.6035C>T, p.Ser2012Leu (NM_001018088.3); c.5906C>T, p.Ser1969Leu (NM_017684.5, NM_018080.4); short protein forms S2012L, S1969L.
Identifiers: ClinVar variation 2177070 (VCV002177070.4), dbSNP rs745608214, ClinGen allele CA7595669.